The following is an entry in ClinVar:

ClinVar aggregate classification (germline): Pathogenic/Likely pathogenic. Review status: criteria provided, multiple submitters, no conflicts (2 of 4 stars). 6 submissions from 6 submitters: Pathogenic (2); Likely pathogenic (4). Last evaluated 2026-02-02.

Conditions:
Cardiovascular phenotype. Identifiers: MedGen CN230736.
Dilated cardiomyopathy 1G (CMD1G). Identifiers: Orphanet 154, MedGen C1858763, MONDO:0011400, OMIM 604145.
Autosomal recessive limb-girdle muscular dystrophy type 2J (LGMDR10). Also called: Limb-girdle muscular dystrophy, type 2J; MUSCULAR DYSTROPHY, LIMB-GIRDLE, AUTOSOMAL RECESSIVE 10. Identifiers: Orphanet 140922, MedGen C1837342, MONDO:0012127, OMIM 608807.
Primary familial dilated cardiomyopathy (FDC). Also called: Familial dilated cardiomyopathy; Hypokinetic dilated cardiomyopathy, familial. Identifiers: Orphanet 217607, MedGen C0340427, MONDO:0016333.
Primary dilated cardiomyopathy (DCM). Also called: Dilated Cardiomyopathy. Identifiers: Orphanet 217604, MedGen C0007193, MeSH D002311, MONDO:0005021, HP:0001644. Inheritance: Various modes of inheritance.

Allele frequency attached by ClinVar (database versions not stated): gnomAD exomes below 0.00001; TOPMed below 0.00001.
gnomAD v4.1: 3 of 1,613,976 alleles (0.00019%); highest among the groups gnomAD compares: Non-Finnish European, 0.00025%; no homozygotes.

Submissions (6):

Women's Health and Genetics/Laboratory Corporation of America, LabCorp
Classification: Likely pathogenic for Primary familial dilated cardiomyopathy. Last evaluated: 2026-02-02. Review status: criteria provided, single submitter. Criteria: LabCorp Variant Classification Summary - May 2015. Collection method: clinical testing. Allele origin: germline.
Comment: Variant summary: TTN c.3034C>T (p.Arg1012X) results in a premature termination codon, predicted to cause a truncation of the encoded protein or absence of the protein due to nonsense mediated decay, which are commonly known mechanisms for disease. Loss of function variants in all TTN bands are strongly associated with a spectrum of autosomal recessive titinopathies when exon expression (proportion spliced in, PSI, 1=complete expression) in skeletal muscle is >0.1 (PMID: 36977548, 39198997, 29598826, 32778822, 29691892, 33449170, 36977548, internal data). In contrast, loss of function variants in all TTN bands are only strongly associated with autosomal dominant TTN-related cardiomyopathies if located in exons constitutively expressed (PSI >0.9) in cardiac muscle, excluding extreme C-terminal exons 359-363 (PMID: 25589632, 31216868, 32964742, 34662387, 27869827, Shetty et al., Nat Cardiovasc Res 2024,, internal data). This variant has a maximum skeletal muscle PSI of 0.994 and a maximum cardiac muscle PSI of 1.000. The variant allele was found at a frequency of 4e-06 in 250828 control chromosomes. c.3034C>T has been observed in individuals affected with Dilated Cardiomyopathy (e.g. Pugh_2014, Walsh_2017, internal data) and Congenital Myopathy (e.g. Barbosa-Gouveia_2022, Zidkova_2025). These data indicate that the variant is likely associated with disease. To our knowledge, no experimental evidence demonstrating an impact on protein function has been reported. The following publications have been ascertained in the context of this evaluation (PMID: 35628876, 24503780, 29029073, 27532257, 40525497). ClinVar contains an entry for this variant (Variation ID: 46899). Based on the evidence outlined above, the variant was classified as likely pathogenic for both autosomal dominant and autosomal recessive TTN-related conditions.

Labcorp Genetics (formerly Invitae), Labcorp
Classification: Pathogenic for Dilated cardiomyopathy 1G; Autosomal recessive limb-girdle muscular dystrophy type 2J. Last evaluated: 2026-01-05. Review status: criteria provided, single submitter. Criteria: Invitae Variant Classification Sherloc (09022015). Collection method: clinical testing. Allele origin: germline.
Comment: This sequence change creates a premature translational stop signal (p.Arg1012*) in the TTN gene. While this is not anticipated to result in nonsense mediated decay, it is expected to create a truncated TTN protein. This variant is present in population databases (rs397517547, gnomAD 0.0009%). This premature translational stop signal has been observed in individuals with autosomal dominant dilated cardiomyopathy (PMID: 24503780, 27532257, 29029073; internal data). ClinVar contains an entry for this variant (Variation ID: 46899). This variant is located in the Z band of TTN (PMID: 25589632). Truncating variants in this region have been reported in individuals affected with autosomal recessive centronuclear myopathy (PMID: 33449170, internal data). Truncating variants in this region have also been identified in individuals affected with autosomal dominant dilated cardiomyopathy and/or cardio-related conditions (PMID: 27869827, 32964742, internal data). For these reasons, this variant has been classified as Pathogenic.

Ambry Genetics
Classification: Likely pathogenic for Cardiovascular phenotype. Last evaluated: 2025-02-25. Review status: criteria provided, single submitter. Criteria: Ambry Variant Classification Scheme 2023. Collection method: clinical testing. Allele origin: germline.
Comment: The p.R966* variant (also known as c.2896C>T), located in coding exon 16 of the TTN gene, results from a C to T substitution at nucleotide position 2896. This changes the amino acid from an arginine to a stop codon within coding exon 16. This exon is located in the near Z-disk region of the N2-B isoform of the titin protein and is constitutively expressed in TTN transcripts (percent spliced in or PSI 100%). This variant (referred to as p.Arg1012X, c.3034C>T) was reported in individual(s) with features consistent with dilated cardiomyopathy (DCM) (Pugh TJ et al. Genet. Med., 2014 Aug;16:601-8; Ambry internal data). This variant is considered to be rare based on population cohorts in the Genome Aggregation Database (gnomAD). This variant is expected to result in loss of function by premature protein truncation or nonsense-mediated mRNA decay. While truncating variants in TTN are present in 1-3% of the general population, truncating variants in the A-band are the most common cause of dilated cardiomyopathy (Herman DS et al. N. Engl. J. Med., 2012 Feb;366:619-28; Roberts AM et al. Sci Transl Med, 2015 Jan;7:270ra6). TTN truncating variants encoded in constitutive exons (PSI >90%) have been found to be significantly associated with DCM regardless of their position in titin (Schafer S et al. Nat. Genet., 2017 01;49:46-53; Akhtar MM et al. Circ Heart Fail, 2020 Oct;13:e006832; Massier M et al. Clin Genet, 2025 Jan). Based on the majority of available evidence to date, this variant is likely to be pathogenic.

Laboratory of Genetics, Children's Clinical University Hospital Latvia
Classification: Pathogenic. Last evaluated: 2025-02-16. Review status: criteria provided, single submitter. Criteria: ACMG Guidelines, 2015. Collection method: clinical testing. Allele origin: germline. Affected: yes.

NeuroMeGen, Hospital Clinico Santiago de Compostela
Classification: Likely pathogenic for Autosomal recessive limb-girdle muscular dystrophy type 2J. Last evaluated: 2018-10-08. Review status: criteria provided, single submitter. Criteria: ACMG Guidelines, 2015. Collection method: clinical testing. Allele origin: maternal. Affected: yes. Observed: 1 compound heterozygote.

Laboratory for Molecular Medicine, Mass General Brigham Personalized Medicine
Classification: Likely pathogenic for Primary dilated cardiomyopathy. Last evaluated: 2015-05-07. Review status: criteria provided, single submitter. Criteria: LMM Criteria. Collection method: clinical testing. Allele origin: germline. Inheritance: Autosomal dominant inheritance. Observed: 3 variant alleles.
Comment: The p.Arg1012X variant in TTN has not been previously reported in individuals wi th cardiomyopathy or in large population studies. This nonsense variant leads to a premature termination codon at position 1012, which is predicted to lead to a truncated or absent protein. Nonsense and other truncating variants in TTN are strongly associated with DCM if they are located in the exons encoding for the A -band (Herman 2012, Pugh 2014) and/or are located in an exon that is highly expr essed in the heart (Roberts 2015). The p.Arg1012X variant is located in the high ly expressed exon 18 in the near Z-disk band. In summary, although additional st udies are required to fully establish its clinical significance, the p.Arg1012X variant is likely pathogenic.

Literature cited by the submitters: PubMed 24503780 (cited by 3 submitters); PubMed 27532257 (cited by Women's Health and Genetics/Laboratory Corporation of America, LabCorp and Labcorp Genetics (formerly Invitae), Labcorp); PubMed 29029073 (cited by Women's Health and Genetics/Laboratory Corporation of America, LabCorp and Labcorp Genetics (formerly Invitae), Labcorp); PubMed 35628876 (cited by Women's Health and Genetics/Laboratory Corporation of America, LabCorp); PubMed 40525497 (cited by Women's Health and Genetics/Laboratory Corporation of America, LabCorp); PubMed 25589632 (cited by Labcorp Genetics (formerly Invitae), Labcorp); PubMed 33449170 (cited by Labcorp Genetics (formerly Invitae), Labcorp); PubMed 27869827 (cited by Labcorp Genetics (formerly Invitae), Labcorp); PubMed 32964742 (cited by Labcorp Genetics (formerly Invitae), Labcorp).

NM_001267550.2(TTN):c.3034C>T (p.Arg1012Ter)

Gene: TTN (titin; minus strand). Cytogenetic location: 2q31.2.
Variant type: single nucleotide variant.
Coding change: c.3034C>T on transcript NM_001267550.2 (MANE Select); coding-DNA position 3034, C replaced by T.
Protein change: p.Arg1012Ter; replaces arginine 1012 with a stop codon.
Molecular consequence: nonsense.
Genome position (GRCh38, 1-based): chr2:178,782,872, G>A on the plus strand (C>T on the coding strand, the complement: TTN is on the minus strand). VCF-style: chr2-178782872-G-A. GRCh37 (hg19) VCF-style: chr2-179647599-G-A.
Other names: c.3034C>T, p.Arg1012Ter (NM_133378.4, NM_001256850.1, NM_133379.5); c.2896C>T, p.Arg966Ter (NM_003319.4, NM_133432.3, NM_133437.4); short protein forms R1012*, R966*.
Identifiers: ClinVar variation 46899 (VCV000046899.27), dbSNP rs397517547, ClinGen allele CA261847.